The following is an entry in ClinVar:

ClinVar aggregate classification (germline): Uncertain significance. Review status: criteria provided, multiple submitters, no conflicts (2 of 4 stars). 2 submissions from 2 submitters: Uncertain significance (2). Last evaluated 2022-05-04.

Conditions:
Cone-rod dystrophy 13 (CORD13). Identifiers: Orphanet 1872, MedGen C2750720, MONDO:0011987, OMIM 608194.
Leber congenital amaurosis 6 (LCA6). Identifiers: Orphanet 65, MedGen C1854260, MONDO:0013446, OMIM 613826.

Submissions (2):

Mendelics
Classification: Uncertain significance. Last evaluated: 2022-05-04. Review status: criteria provided, single submitter. Criteria: Mendelics Assertion Criteria 2019. Collection method: clinical testing. Allele origin: germline.

Labcorp Genetics (formerly Invitae), Labcorp
Classification: Uncertain significance for Leber congenital amaurosis 6; Cone-rod dystrophy 13. Last evaluated: 2021-08-11. Review status: criteria provided, single submitter. Criteria: Invitae Variant Classification Sherloc (09022015). Collection method: clinical testing. Allele origin: germline.
Comment: Algorithms developed to predict the effect of sequence changes on RNA splicing suggest that this variant may create or strengthen a splice site. In summary, the available evidence is currently insufficient to determine the role of this variant in disease. Therefore, it has been classified as a Variant of Uncertain Significance. Algorithms developed to predict the effect of missense changes on protein structure and function are either unavailable or do not agree on the potential impact of this missense change (SIFT: "Deleterious"; PolyPhen-2: "Probably Damaging"; Align-GVGD: "Class C15"). This variant has not been reported in the literature in individuals affected with RPGRIP1-related conditions. This variant is not present in population databases (ExAC no frequency). This sequence change replaces proline with arginine at codon 650 of the RPGRIP1 protein (p.Pro650Arg). The proline residue is highly conserved and there is a moderate physicochemical difference between proline and arginine.

NM_020366.4(RPGRIP1):c.1949C>G (p.Pro650Arg)

Gene: RPGRIP1 (RPGR interacting protein 1; plus strand). Cytogenetic location: 14q11.2.
Variant type: single nucleotide variant.
Coding change: c.1949C>G on transcript NM_020366.4 (MANE Select); coding-DNA position 1949, C replaced by G.
Protein change: p.Pro650Arg; replaces proline 650 with arginine.
Molecular consequence: missense variant. On other transcripts: intron variant (4).
Genome position (GRCh38, 1-based): chr14:21,324,804, C>G. VCF-style: chr14-21324804-C-G. GRCh37 (hg19) VCF-style: chr14-21792963-C-G.
Other names: c.875C>G, p.Pro292Arg (NM_001377948.1); c.796+79C>G (NM_001377949.1); c.688+2800C>G (NM_001377523.1, NM_001377950.1); c.190+2800C>G (NM_001377951.1); short protein forms P292R, P650R.
Identifiers: ClinVar variation 1374357 (VCV001374357.7), dbSNP rs769167245, ClinGen allele CA388867343.
Genomic context (GRCh38, chr14:21,324,804, plus strand): 5'-TGCACATCCACCAGGCCTTCCTGACATCTGCCGCCCTAGCTCAGGCTGGAGATACCCAAC[C>G]TACCACTTTCTGCACCTATTCCTTCTATGACTTTGAAACCCACTGTACCCCATTATCTGT-3'
Protein context (NP_065099.3, residues 640-660): AALAQAGDTQ[Pro650Arg]TTFCTYSFYD